The following is an entry in ClinVar:

NM_139321.3(ATRN):c.2994G>C (p.Glu998Asp)

Gene: ATRN (attractin; plus strand). Cytogenetic location: 20p13.
Variant type: single nucleotide variant.
Coding change: c.2994G>C on transcript NM_139321.3 (MANE Select); coding-DNA position 2994, G replaced by C.
Protein change: p.Glu998Asp; replaces glutamic acid 998 with aspartic acid.
Molecular consequence: missense variant.
Genome position (GRCh38, 1-based): chr20:3,584,690, G>C. VCF-style: chr20-3584690-G-C. GRCh37 (hg19) VCF-style: chr20-3565337-G-C.
Other names: c.2646G>C, p.Glu882Asp (NM_001207047.3); c.2994G>C, p.Glu998Asp (NM_001323332.2, NM_139322.4); short protein forms E998D, E882D.
Identifiers: ClinVar variation 2098926 (VCV002098926.4), dbSNP rs2086331733, ClinGen allele CA408099507.

ClinVar aggregate classification (germline): Uncertain significance (1 of 4 stars; one submission).

gnomAD v4.1: 1 of 1,613,930 alleles (0.000062%); highest among the groups gnomAD compares: African/African-American, 0.0013%; no homozygotes.

Submission:

Labcorp Genetics (formerly Invitae), Labcorp
Classification: Uncertain significance. Last evaluated: 2022-04-04. Review status: criteria provided, single submitter. Criteria: Invitae Variant Classification Sherloc (09022015). Collection method: clinical testing. Allele origin: germline.
Comment: This sequence change replaces glutamic acid, which is acidic and polar, with aspartic acid, which is acidic and polar, at codon 998 of the ATRN protein (p.Glu998Asp). This variant is not present in population databases (gnomAD no frequency). This variant has not been reported in the literature in individuals affected with ATRN-related conditions. Algorithms developed to predict the effect of missense changes on protein structure and function (SIFT, PolyPhen-2, Align-GVGD) all suggest that this variant is likely to be tolerated. In summary, the available evidence is currently insufficient to determine the role of this variant in disease. Therefore, it has been classified as a Variant of Uncertain Significance.